The following is an entry in ClinVar:

ClinVar aggregate classification (germline): Uncertain significance (1 of 4 stars; one submission).

Allele frequency attached by ClinVar (database versions not stated): gnomAD exomes below 0.00001; TOPMed 0.00001.
gnomAD v4.1: 6 of 1,614,204 alleles (0.00037%); highest among the groups gnomAD compares: Non-Finnish European, 0.00017%; no homozygotes.

Submission:

Labcorp Genetics (formerly Invitae), Labcorp
Classification: Uncertain significance. Last evaluated: 2021-12-02. Review status: criteria provided, single submitter. Criteria: Invitae Variant Classification Sherloc (09022015). Collection method: clinical testing. Allele origin: germline.
Comment: This sequence change replaces serine, which is neutral and polar, with arginine, which is basic and polar, at codon 582 of the ACAD9 protein (p.Ser582Arg). This variant is present in population databases (no rsID available, gnomAD 0.02%). This variant has not been reported in the literature in individuals affected with ACAD9-related conditions. Advanced modeling of protein sequence and biophysical properties (such as structural, functional, and spatial information, amino acid conservation, physicochemical variation, residue mobility, and thermodynamic stability) performed at Invitae indicates that this missense variant is not expected to disrupt ACAD9 protein function. In summary, the available evidence is currently insufficient to determine the role of this variant in disease. Therefore, it has been classified as a Variant of Uncertain Significance.

NM_014049.5(ACAD9):c.1746C>A (p.Ser582Arg)

Genes: ACAD9 (acyl-CoA dehydrogenase family member 9; plus strand), CFAP92 (cilia and flagella associated protein 92 (putative); minus strand). Cytogenetic location: 3q21.3.
Variant type: single nucleotide variant.
Coding change: c.1746C>A on transcript NM_014049.5 (MANE Select); coding-DNA position 1746, C replaced by A.
Protein change: p.Ser582Arg; replaces serine 582 with arginine.
Molecular consequence: missense variant. On other transcripts: non-coding transcript variant (1), intron variant (3).
Genome position (GRCh38, 1-based): chr3:128,910,794, C>A. VCF-style: chr3-128910794-C-A. GRCh37 (hg19) VCF-style: chr3-128629637-C-A.
Other names: c.1377C>A, p.Ser459Arg (NM_001410805.1); c.2312-461G>T (NM_001348521.2); c.2408-461G>T (NM_001348520.2); c.3281-461G>T (NM_001394090.1); short protein forms S582R, S459R.
Identifiers: ClinVar variation 2156144 (VCV002156144.1), dbSNP rs1409140120, ClinGen allele CA354440713.